The following is an entry in ClinVar:

NM_015021.3(ZNF292):c.7614T>G (p.Asn2538Lys)

Gene: ZNF292 (zinc finger protein 292; plus strand). Cytogenetic location: 6q14.3.
Variant type: single nucleotide variant.
Coding change: c.7614T>G on transcript NM_015021.3 (MANE Select); coding-DNA position 7614, T replaced by G.
Protein change: p.Asn2538Lys; replaces asparagine 2538 with lysine.
Molecular consequence: missense variant.
Genome position (GRCh38, 1-based): chr6:87,261,243, T>G. VCF-style: chr6-87261243-T-G. GRCh37 (hg19) VCF-style: chr6-87970961-T-G.
Other names: c.7194T>G, p.Asn2398Lys (NM_001351444.2); short protein forms N2398K, N2538K.
Identifiers: ClinVar variation 3257330 (VCV003257330.17).

ClinVar aggregate classification (germline): Uncertain significance (1 of 4 stars; one submission).

gnomAD v4.1: 1 of 1,609,886 alleles (0.000062%); highest among the groups gnomAD compares: Non-Finnish European, 0.000085%; no homozygotes.

Submission:

CeGaT Center for Human Genetics Tuebingen
Classification: Uncertain significance. Last evaluated: 2024-07-01. Review status: criteria provided, single submitter. Criteria: CeGaT Center For Human Genetics Tuebingen Variant Classification Criteria Version 2. Collection method: clinical testing. Allele origin: germline. Affected: yes. Observed: 1 variant allele.
Comment: ZNF292: PM2, BP4